The following is an entry in ClinVar:

NM_000245.4(MET):c.3834A>C (p.Thr1278=)

Gene: MET (MET proto-oncogene, receptor tyrosine kinase; plus strand). Cytogenetic location: 7q31.2.
Variant type: single nucleotide variant.
Coding change: c.3834A>C on transcript NM_000245.4 (MANE Select); coding-DNA position 3834, A replaced by C.
Protein change: p.Thr1278=; no amino-acid change (threonine 1278 retained).
Molecular consequence: synonymous variant.
Genome position (GRCh38, 1-based): chr7:116,795,690, A>C. VCF-style: chr7-116795690-A-C. GRCh37 (hg19) VCF-style: chr7-116435744-A-C.
Other names: c.3888A>C, p.Thr1296= (NM_001127500.3); c.2544A>C, p.Thr848= (NM_001324402.2).
Identifiers: ClinVar variation 824339 (VCV000824339.14), dbSNP rs1584977880, ClinGen allele CA457462261.

ClinVar aggregate classification (germline): Benign/Likely benign. Review status: criteria provided, multiple submitters, no conflicts (2 of 4 stars). 3 submissions from 3 submitters: Benign (1); Likely benign (2). Last evaluated 2024-11-14.

Conditions:
Renal cell carcinoma. Identifiers: Orphanet 217071, MedGen C0007134, MeSH D002292, MONDO:0005086, HP:0005584.
Hereditary cancer-predisposing syndrome. Also called: Neoplastic Syndromes, Hereditary; Tumor predisposition; Hereditary neoplastic syndrome; Hereditary Cancer Syndrome. Identifiers: Orphanet 140162, MedGen C0027672, MeSH D009386, MONDO:0015356.
Papillary renal cell carcinoma type 1 (RCCP1). Also called: Renal adenocarcinoma; Renal cell carcinoma 1; Renal cell carcinoma, somatic; RENAL CELL CARCINOMA, PAPILLARY, 1, SOMATIC. Identifiers: Orphanet 47044, MedGen C1336839, OMIM 605074, HP:0011797.

Submissions (3):

Myriad Genetics, Inc.
Classification: Benign for Papillary renal cell carcinoma type 1. Last evaluated: 2024-11-14. Review status: criteria provided, single submitter. Criteria: Myriad Autosomal Dominant, Autosomal Recessive and X-Linked Classification Criteria (2023). Collection method: clinical testing. Allele origin: unknown.
Comment: This variant is considered benign. This variant is a silent/synonymous amino acid change and it is not expected to impact splicing.

Labcorp Genetics (formerly Invitae), Labcorp
Classification: Likely benign for Renal cell carcinoma. Last evaluated: 2022-09-01. Review status: criteria provided, single submitter. Criteria: Invitae Variant Classification Sherloc (09022015). Collection method: clinical testing. Allele origin: germline.

Ambry Genetics
Classification: Likely benign for Hereditary cancer-predisposing syndrome. Last evaluated: 2019-10-12. Review status: criteria provided, single submitter. Criteria: Ambry Variant Classification Scheme 2023. Collection method: clinical testing. Allele origin: germline.